The following is an entry in ClinVar:

NM_004187.5(KDM5C):c.2776del (p.Glu926fs)

Gene: KDM5C (lysine demethylase 5C; minus strand). Cytogenetic location: Xp11.22.
Variant type: Deletion.
Coding change: c.2776del on transcript NM_004187.5 (MANE Select); coding-DNA position 2776, one base deleted (G; older notation c.2776delG).
Protein change: p.Glu926fs; shifts the reading frame from glutamic acid 926.
Molecular consequence: frameshift variant. On other transcripts: non-coding transcript variant (3).
Genome position (GRCh38, 1-based): chrX:53,196,891, C deleted on the plus strand (G on the coding strand, the reverse complement: KDM5C is on the minus strand); the first of 2 consecutive C bases (chrX:53,196,891-53,196,892); deleting either gives the same sequence. VCF-style (leftmost placement, unchanged base first): chrX-53196890-TC-T. GRCh37 (hg19) VCF-style: chrX-53226072-TC-T.
Other names: c.2575del, p.Glu859fs (NM_001146702.2); c.2773del, p.Glu925fs (NM_001282622.3, NM_001353979.2, NM_001353982.2); c.2776del, p.Glu926fs (NM_001353978.3, NM_001353981.2, NM_001353984.2); short protein forms E925fs, E859fs, E926fs.
Identifiers: ClinVar variation 4042370 (VCV004042370.1).

ClinVar aggregate classification (germline): Pathogenic (1 of 4 stars; one submission).

Conditions:
Inborn genetic diseases. Identifiers: MedGen C0950123, MeSH D030342.

Submission:

Ambry Genetics
Classification: Pathogenic for Inborn genetic diseases. Last evaluated: 2025-03-28. Review status: criteria provided, single submitter. Criteria: Ambry Variant Classification Scheme 2023. Collection method: clinical testing. Allele origin: germline.
Comment: The c.2776delG (p.E926Nfs*9) alteration, located in exon 19 (coding exon 19) of the KDM5C gene, consists of a deletion of one nucleotide at position 2776, causing a translational frameshift with a predicted alternate stop codon after 9 amino acids. This alteration is expected to result in loss of function by premature protein truncation or nonsense-mediated mRNA decay. This variant was not reported in population-based cohorts in the Genome Aggregation Database (gnomAD). Based on the available evidence, this alteration is classified as pathogenic.